The following is an entry in ClinVar:

NM_177438.3(DICER1):c.1503G>C (p.Gln501His)

Gene: DICER1 (dicer 1, ribonuclease III; minus strand). Cytogenetic location: 14q32.13.
Variant type: single nucleotide variant.
Coding change: c.1503G>C on transcript NM_177438.3 (MANE Select); coding-DNA position 1503, G replaced by C.
Protein change: p.Gln501His; replaces glutamine 501 with histidine.
Molecular consequence: missense variant.
Genome position (GRCh38, 1-based): chr14:95,117,628, C>G on the plus strand (G>C on the coding strand, the complement: DICER1 is on the minus strand). VCF-style: chr14-95117628-C-G. GRCh37 (hg19) VCF-style: chr14-95583965-C-G.
Other names: c.1503G>C, p.Gln501His (NM_001195573.1, NM_001271282.3, NM_001291628.2 and 1 more transcripts); short protein forms Q501H.
Identifiers: ClinVar variation 819402 (VCV000819402.4), dbSNP rs1595414939, ClinGen allele CA390885388.

ClinVar aggregate classification (germline): Uncertain significance (1 of 4 stars; one submission).

Conditions:
Hereditary cancer-predisposing syndrome. Also called: Tumor predisposition; Hereditary neoplastic syndrome; Neoplastic Syndromes, Hereditary; Hereditary Cancer Syndrome. Identifiers: Orphanet 140162, MedGen C0027672, MeSH D009386, MONDO:0015356.

Submission:

Ambry Genetics
Classification: Uncertain significance for Hereditary cancer-predisposing syndrome. Last evaluated: 2018-07-03. Review status: criteria provided, single submitter. Criteria: Ambry Variant Classification Scheme 2023. Collection method: clinical testing. Allele origin: germline.
Comment: The p.Q501H variant (also known as c.1503G>C), located in coding exon 8 of the DICER1 gene, results from a G to C substitution at nucleotide position 1503. The glutamine at codon 501 is replaced by histidine, an amino acid with highly similar properties. This amino acid position is highly conserved in available vertebrate species. In addition, this alteration is predicted to be deleterious by in silico analysis. Since supporting evidence is limited at this time, the clinical significance of this alteration remains unclear.